The following is an entry in ClinVar:

NM_000218.3(KCNQ1):c.1093A>C (p.Asn365His)

Gene: KCNQ1 (potassium voltage-gated channel subfamily Q member 1; plus strand). Cytogenetic location: 11p15.5.
Variant type: single nucleotide variant.
Coding change: c.1093A>C on transcript NM_000218.3 (MANE Select); coding-DNA position 1093, A replaced by C.
Protein change: p.Asn365His; replaces asparagine 365 with histidine.
Molecular consequence: missense variant.
Genome position (GRCh38, 1-based): chr11:2,585,272, A>C. VCF-style: chr11-2585272-A-C. GRCh37 (hg19) VCF-style: chr11-2606502-A-C.
Other names: c.1093A>C (LRG_287t1); c.823A>C, p.Asn275His (NM_001406837.1); c.712A>C, p.Asn238His (NM_181798.2); short protein forms N365H, N238H, N275H.
Identifiers: ClinVar variation 67011 (VCV000067011.3), dbSNP rs199473409, ClinGen allele CA005247.

ClinVar aggregate classification (germline): not provided (0 of 4 stars; one submission).

Conditions:
Familial long QT syndrome (RWS). Also called: Congenital long QT syndrome; Romano-Ward syndrome; VENTRICULAR FIBRILLATION WITH PROLONGED QT INTERVAL. Identifiers: Orphanet 768, MedGen C1141890, MONDO:0019171.

Submission:

Cardiovascular Biomedical Research Unit, Royal Brompton & Harefield NHS Foundation Trust
No classification provided. Condition: Familial long QT syndrome. Review status: no classification provided. Collection method: literature only. Allele origin: germline.
Comment: This variant has been reported as associated with Long QT syndrome in the following publications (PMID:19716085). This is a literature report, and does not necessarily reflect the clinical interpretation of the Imperial College / Royal Brompton Cardiovascular Genetics laboratory.

Literature cited by the submitters: PubMed 19716085; PubMed 22581653.